The following is an entry in ClinVar:

ClinVar aggregate classification (germline): Uncertain significance (1 of 4 stars; one submission).

Conditions:
Fanconi anemia (FA). Also called: Fanconi's anemia. Identifiers: Orphanet 84, MedGen C0015625, MeSH D005199, MONDO:0019391.

Allele frequency attached by ClinVar (database versions not stated): ExAC 0.00001.
gnomAD v4.1: 1 of 1,612,522 alleles (0.000062%); highest among the groups gnomAD compares: Non-Finnish European, 0.000085%; no homozygotes.

Submission:

Labcorp Genetics (formerly Invitae), Labcorp
Classification: Uncertain significance for Fanconi anemia. Last evaluated: 2021-08-30. Review status: criteria provided, single submitter. Criteria: Invitae Variant Classification Sherloc (09022015). Collection method: clinical testing. Allele origin: germline.
Comment: In summary, the available evidence is currently insufficient to determine the role of this variant in disease. Therefore, it has been classified as a Variant of Uncertain Significance. Algorithms developed to predict the effect of missense changes on protein structure and function (SIFT, PolyPhen-2, Align-GVGD) all suggest that this variant is likely to be disruptive. This variant has not been reported in the literature in individuals affected with FANCL-related conditions. This variant is present in population databases (rs748875030, ExAC 0.002%). This sequence change replaces proline with alanine at codon 360 of the FANCL protein (p.Pro360Ala). The proline residue is highly conserved and there is a small physicochemical difference between proline and alanine.

NM_018062.4(FANCL):c.1078C>G (p.Pro360Ala)

Gene: FANCL (FA complementation group L; minus strand). Cytogenetic location: 2p16.1.
Variant type: single nucleotide variant.
Coding change: c.1078C>G on transcript NM_018062.4 (MANE Select); coding-DNA position 1078, C replaced by G.
Protein change: p.Pro360Ala; replaces proline 360 with alanine.
Molecular consequence: missense variant.
Genome position (GRCh38, 1-based): chr2:58,160,122, G>C on the plus strand (C>G on the coding strand, the complement: FANCL is on the minus strand). VCF-style: chr2-58160122-G-C. GRCh37 (hg19) VCF-style: chr2-58387257-G-C.
Other names: c.1093C>G, p.Pro365Ala (NM_001114636.2); c.1123C>G, p.Pro375Ala (NM_001374615.1); c.1138C>G, p.Pro380Ala (NM_001410792.1); short protein forms P375A, P360A, P365A, P380A.
Identifiers: ClinVar variation 1378618 (VCV001378618.6), dbSNP rs748875030, ClinGen allele CA1670316.